The following is an entry in ClinVar:

ClinVar aggregate classification (germline): Likely benign. Review status: criteria provided, multiple submitters, no conflicts (2 of 4 stars). 2 submissions from 2 submitters: Likely benign (2). Last evaluated 2018-01-13.

Conditions:
Histidinemia. Also called: Hyperhistidinemia; Deficiency of histidine ammonia-lyase; HAL DEFICIENCY; HIS DEFICIENCY; HISTIDASE DEFICIENCY; HISTIDINE AMMONIA-LYASE DEFICIENCY. Identifiers: Orphanet 2157, MedGen C0220992, MONDO:0009345, OMIM 235800, HP:0010906.

Allele frequency attached by ClinVar (database versions not stated): gnomAD 0.01115; 1000 Genomes Project 0.01278; TOPMed 0.01309; 1000 Genomes Project 30x 0.01452.
gnomAD v4.1: 2,455 of 659,610 alleles (0.37%); highest among the groups gnomAD compares: African/African-American, 4%; 51 homozygotes.

Submissions (2):

Illumina Laboratory Services, Illumina
Classification: Likely benign for Histidinemia. Last evaluated: 2018-01-13. Review status: criteria provided, single submitter. Criteria: ICSL Variant Classification Criteria 13 December 2019. Collection method: clinical testing. Allele origin: germline.
Comment: This variant was observed in the ICSL laboratory as part of a predisposition screen in an ostensibly healthy population. It had not been previously curated by ICSL or reported in the Human Gene Mutation Database (HGMD: prior to June 1st, 2018), and was therefore a candidate for classification through an automated scoring system. Utilizing variant allele frequency, disease prevalence and penetrance estimates, and inheritance mode, an automated score was calculated to assess if this variant is too frequent to cause the disease. Based on the score and internal cut-off values, a variant classified as likely benign is not then subjected to further curation. The score for this variant resulted in a classification of likely benign for this disease.

Breakthrough Genomics
Classification: Likely benign. Review status: criteria provided, single submitter. Criteria: ACMG Guidelines, 2015. Collection method: not provided. Allele origin: germline. Inheritance: Autosomal recessive inheritance. Affected: yes.

NM_002108.4(HAL):c.*191C>T

Gene: HAL (histidine ammonia-lyase; minus strand). Cytogenetic location: 12q23.1.
Variant type: single nucleotide variant.
Coding change: c.*191C>T on transcript NM_002108.4 (MANE Select); 191 bases downstream of the stop codon, C replaced by T.
Molecular consequence: 3 prime UTR variant.
Genome position (GRCh38, 1-based): chr12:95,974,041, G>A on the plus strand (C>T on the coding strand, the complement: HAL is on the minus strand). VCF-style: chr12-95974041-G-A. GRCh37 (hg19) VCF-style: chr12-96367819-G-A.
Other names: c.*191C>T (NM_001258333.2); c.*319C>T (NM_001258334.2).
Identifiers: ClinVar variation 310699 (VCV000310699.6), dbSNP rs116122784, ClinGen allele CA10643567.